The following is an entry in ClinVar:

NM_000210.4(ITGA6):c.1850T>C (p.Ile617Thr)

Genes: PDK1-AS1 (PDK1 and ITGA6 antisense RNA 1; minus strand), ITGA6 (integrin subunit alpha 6; plus strand). Cytogenetic location: 2q31.1.
Variant type: single nucleotide variant.
Coding change: c.1850T>C on transcript NM_000210.4 (MANE Select); coding-DNA position 1850, T replaced by C.
Protein change: p.Ile617Thr; replaces isoleucine 617 with threonine.
Molecular consequence: missense variant.
Genome position (GRCh38, 1-based): chr2:172,485,260, T>C. VCF-style: chr2-172485260-T-C. GRCh37 (hg19) VCF-style: chr2-173349988-T-C.
Other names: c.1850T>C, p.Ile617Thr (NM_001079818.3, NM_001365529.2, NM_001365530.2); c.1493T>C, p.Ile498Thr (NM_001316306.2); short protein forms I498T, I617T.
Identifiers: ClinVar variation 894199 (VCV000894199.12), dbSNP rs148815652, ClinGen allele CA1968229.

ClinVar aggregate classification (germline): Conflicting classifications of pathogenicity. Review status: criteria provided, conflicting classifications (1 of 4 stars). 6 submissions from 6 submitters: Uncertain significance (3); Benign (1); Likely benign (1). 1 of the submissions does not count toward it. Last evaluated 2026-01-09.

Conditions:
Inborn genetic diseases. Identifiers: MedGen C0950123, MeSH D030342.
Epidermolysis bullosa, junctional 6, with pyloric atresia. Also called: ITGA6-Related Epidermolysis Bullosa with Pyloric Atresia. Identifiers: MedGen C5676957, MONDO:0859233, OMIM 619817.
Junctional epidermolysis bullosa with pyloric atresia. Also called: EPIDERMOLYSIS BULLOSA, JUNCTIONAL 5B, WITH PYLORIC ATRESIA; EB-PA-ACC; Epidermolysis bullosa, junctional, with pyloric atresia and aplasia cutis congenita; Epidermolysis bullosa junctionalis with pyloric atresia; ITGB4-Related Epidermolysis Bullosa with Pyloric Atresia; Junctional Epidermolysis Bullosa- Pyloric Atresia Syndrome. Identifiers: Orphanet 79403, MedGen C5676875, MONDO:0009183, OMIM 226730.

Allele frequency attached by ClinVar (database versions not stated): gnomAD exomes 0.00020 and 0.00042; ExAC 0.00028; gnomAD 0.00028 and 0.00030; TOPMed 0.00032; ESP Exome Variant Server 0.00054.
gnomAD v4.1: 361 of 1,613,888 alleles (0.022%); highest among the groups gnomAD compares: Middle Eastern, 0.033%; 2 homozygotes.

Submissions (6):

Labcorp Genetics (formerly Invitae), Labcorp
Classification: Benign. Last evaluated: 2026-01-09. Review status: criteria provided, single submitter. Criteria: Invitae Variant Classification Sherloc (09022015). Collection method: clinical testing. Allele origin: germline.

Fulgent Genetics
Classification: Uncertain significance for Epidermolysis bullosa, junctional 6, with pyloric atresia. Last evaluated: 2022-03-06. Review status: criteria provided, single submitter. Criteria: ACMG Guidelines, 2015. Collection method: clinical testing. Allele origin: unknown.

Ambry Genetics
Classification: Likely benign for Inborn genetic diseases. Last evaluated: 2021-08-13. Review status: criteria provided, single submitter. Criteria: Ambry Variant Classification Scheme 2023. Collection method: clinical testing. Allele origin: germline.

Illumina Laboratory Services, Illumina
Classification: Uncertain significance for Junctional epidermolysis bullosa with pyloric atresia. Last evaluated: 2018-01-12. Review status: criteria provided, single submitter. Criteria: ICSL Variant Classification Criteria 13 December 2019. Collection method: clinical testing. Allele origin: germline.

Breakthrough Genomics
Classification: Uncertain significance. Review status: criteria provided, single submitter. Criteria: ACMG Guidelines, 2015. Collection method: not provided. Allele origin: germline. Inheritance: Autosomal recessive inheritance. Affected: yes.

Department of Pathology and Laboratory Medicine, Sinai Health System
Classification: Likely benign. Review status: no assertion criteria provided. Collection method: clinical testing. Allele origin: unknown. Affected: yes. Study: The Canadian Open Genetics Repository (COGR). Not counted in ClinVar's aggregate classification.
Comment: The ITGA6 p.Ile617Thr variant was not identified in the literature nor was it identified in ClinVar or LOVD 3.0. The variant was identified in dbSNP (ID: rs148815652) and in control databases in 107 of 281866 chromosomes (1 homozygous) at a frequency of 0.0003796 increasing the likelihood this could be a low frequency benign variant (Genome Aggregation Database March 6, 2019, v2.1.1). The variant was observed in the following populations: Ashkenazi Jewish in 86 of 10318 chromosomes (freq: 0.008335), Latino in 8 of 35410 chromosomes (freq: 0.000226), Other in 1 of 7198 chromosomes (freq: 0.000139), European (non-Finnish) in 10 of 128352 chromosomes (freq: 0.000078), African in 1 of 24926 chromosomes (freq: 0.00004) and South Asian in 1 of 30598 chromosomes (freq: 0.000033), but was not observed in the East Asian or European (Finnish) populations. The p.Ile617 residue is not conserved in mammals and four out of five computational analyses (PolyPhen-2, SIFT, AlignGVGD, BLOSUM, MutationTaster) do not suggest a high likelihood of impact to the protein; however, this information is not predictive enough to rule out pathogenicity. The variant occurs outside of the splicing consensus sequence and in silico or computational prediction software programs (SpliceSiteFinder, MaxEntScan, NNSPLICE, GeneSplicer) do not predict a difference in splicing. In summary, based on the above information the clinical significance of this variant cannot be determined with certainty at this time although we would lean towards a more benign role for this variant. This variant is classified as likely benign.